The following is an entry in ClinVar:

ClinVar aggregate classification (germline): Benign. Review status: criteria provided, multiple submitters, no conflicts (2 of 4 stars). 2 submissions from 2 submitters: Benign (2). Last evaluated 2018-01-12.

Conditions:
Hecht syndrome (DA7). Also called: MOUTH, INABILITY TO OPEN COMPLETELY, AND SHORT FINGER-FLEXOR TENDONS; Dutch-Kentucky syndrome. Identifiers: Orphanet 3377, MedGen C0265226, MONDO:0008016, OMIM 158300. Disease mechanism: gain of function.

Allele frequency attached by ClinVar (database versions not stated): gnomAD 0.30852 and 0.32221; TOPMed 0.31855; gnomAD exomes 0.33333; 1000 Genomes Project 30x 0.43051; 1000 Genomes Project 0.43650.
gnomAD v4.1: 48,961 of 152,014 alleles (32%); highest among the groups gnomAD compares: East Asian, 83%; 9,051 homozygotes.

Submissions (2):

Illumina Laboratory Services, Illumina
Classification: Benign for Hecht syndrome. Last evaluated: 2018-01-12. Review status: criteria provided, single submitter. Criteria: ICSL Variant Classification Criteria 13 December 2019. Collection method: clinical testing. Allele origin: germline.
Comment: This variant was observed in the ICSL laboratory as part of a predisposition screen in an ostensibly healthy population. It had not been previously curated by ICSL or reported in the Human Gene Mutation Database (HGMD: prior to June 1st, 2018), and was therefore a candidate for classification through an automated scoring system. Utilizing variant allele frequency, disease prevalence and penetrance estimates, and inheritance mode, an automated score was calculated to assess if this variant is too frequent to cause the disease. Based on the score and internal cut-off values, a variant classified as benign is not then subjected to further curation. The score for this variant resulted in a classification of benign for this disease.

Breakthrough Genomics
Classification: Benign. Review status: criteria provided, single submitter. Criteria: ACMG Guidelines, 2015. Collection method: not provided. Allele origin: germline. Inheritance: Autosomal dominant inheritance. Affected: yes.

NM_002472.3(MYH8):c.-31G>A

Genes: MYH8 (myosin heavy chain 8; minus strand), MYHAS (myosin heavy chain gene cluster antisense RNA; plus strand). Cytogenetic location: 17p13.1.
Variant type: single nucleotide variant.
Coding change: c.-31G>A on transcript NM_002472.3 (MANE Select); 31 bases upstream of the start codon, G replaced by A.
Molecular consequence: 5 prime UTR variant.
Genome position (GRCh38, 1-based): chr17:10,421,663, C>T on the plus strand (G>A on the coding strand, the complement: MYH8 is on the minus strand). VCF-style: chr17-10421663-C-T. GRCh37 (hg19) VCF-style: chr17-10324980-C-T.
Identifiers: ClinVar variation 321659 (VCV000321659.6), dbSNP rs2277648, ClinGen allele CA10648521.